The following is an entry in ClinVar:

Conditions:
Breast-ovarian cancer, familial, susceptibility to, 1 (BROVCA1). Also called: BRCA1 Hereditary Breast and Ovarian Cancer; OVARIAN CANCER, SUSCEPTIBILITY TO. Identifiers: Orphanet 145, MedGen C2676676, MONDO:0011450, OMIM 604370. Disease mechanism: loss of function.

Submission:

Brotman Baty Institute, University of Washington
No classification provided (evidence only). Condition: Breast-ovarian cancer, familial 1. Review status: no classification provided. Collection method: in vitro. Allele origin: not applicable. Functional consequence: function_uncertain_variant.
ClinVar note: "not provided" was previously submitted as the classification for the variant. However, the classification appeared to be based only on an observation of functional data so it was converted to no classification on 2025-07-30.

NM_007294.4(BRCA1):c.5051C>A (p.Thr1684Asn)

Gene: BRCA1 (BRCA1 DNA repair associated; minus strand). Cytogenetic location: 17q21.31.
Variant type: single nucleotide variant.
Coding change: c.5051C>A on transcript NM_007294.4 (MANE Select); coding-DNA position 5051, C replaced by A.
Protein change: p.Thr1684Asn; replaces threonine 1684 with asparagine.
Molecular consequence: missense variant. On other transcripts: non-coding transcript variant (1).
Genome position (GRCh38, 1-based): chr17:43,067,631, G>T on the plus strand (C>A on the coding strand, the complement: BRCA1 is on the minus strand). VCF-style: chr17-43067631-G-T. GRCh37 (hg19) VCF-style: chr17-41219648-G-T.
Other names: c.4838C>A, p.Thr1613Asn (NM_001407571.1, NM_001407906.1, NM_001407907.1 and 12 more transcripts); c.5117C>A, p.Thr1706Asn (NM_001407581.1, NM_001407582.1); c.5114C>A, p.Thr1705Asn (NM_001407583.1, NM_001407585.1, NM_001407587.1 and 1 more transcripts); c.5111C>A, p.Thr1704Asn (NM_001407590.1, NM_001407591.1); c.5051C>A, p.Thr1684Asn (NM_001407593.1, NM_001407594.1, NM_001407596.1 and 8 more transcripts); c.5048C>A, p.Thr1683Asn (NM_001407613.1, NM_001407614.1, NM_001407615.1 and 17 more transcripts); c.5045C>A, p.Thr1682Asn (NM_001407632.1, NM_001407633.1, NM_001407634.1 and 14 more transcripts); c.4973C>A, p.Thr1658Asn (NM_001407654.1, NM_001407655.1, NM_001407653.1); and 70 more; short protein forms T1637N, T1684N, T1705N, T580N, T1515N, T1595N, T1596N, T1635N.
Identifiers: ClinVar variation 868964 (VCV000868964.3), dbSNP rs2052164896, ClinGen allele CA10591416.